The following is an entry in ClinVar:

ClinVar aggregate classification (germline): Conflicting classifications of pathogenicity. Review status: criteria provided, conflicting classifications (1 of 4 stars). 5 submissions from 5 submitters: Pathogenic (1); Likely pathogenic (1); Uncertain significance (3). Last evaluated 2025-10-19.

Conditions:
Cardiovascular phenotype. Identifiers: MedGen CN230736.
EPHB4-related disorder. Also called: EPHB4-related disorders; EPHB4-related condition.
Capillary malformation-arteriovenous malformation 2 (CMAVM2). Identifiers: Orphanet 693912, MedGen C4748670, MONDO:0020785, OMIM 618196.

Allele frequency attached by ClinVar (database versions not stated): TOPMed below 0.00001.

Submissions (5):

Labcorp Genetics (formerly Invitae), Labcorp
Classification: Pathogenic. Last evaluated: 2025-10-19. Review status: criteria provided, single submitter. Criteria: Invitae Variant Classification Sherloc (09022015). Collection method: clinical testing. Allele origin: germline.
Comment: This sequence change replaces proline, which is neutral and non-polar, with leucine, which is neutral and non-polar, at codon 820 of the EPHB4 protein (p.Pro820Leu). This variant is not present in population databases (gnomAD no frequency). This missense change has been observed in individuals with clinical features of capillary malformation-arteriovenous malformations (PMID: 28687708; internal data). It has also been observed to segregate with disease in related individuals. ClinVar contains an entry for this variant (Variation ID: 691546). Invitae Evidence Modeling of protein sequence and biophysical properties (such as structural, functional, and spatial information, amino acid conservation, physicochemical variation, residue mobility, and thermodynamic stability) indicates that this missense variant is expected to disrupt EPHB4 protein function with a positive predictive value of 95%. This variant disrupts the p.Pro820 amino acid residue in EPHB4. Other variant(s) that disrupt this residue have been observed in individuals with EPHB4-related conditions (PMID: 28687708), which suggests that this may be a clinically significant amino acid residue. For these reasons, this variant has been classified as Pathogenic.

GeneDx
Classification: Uncertain significance. Last evaluated: 2025-03-25. Review status: criteria provided, single submitter. Criteria: GeneDx Variant Classification Process June 2021. Collection method: clinical testing. Allele origin: germline. Affected: yes.
Comment: Observed in a cohort of patients with capillary malformation-arteriovenous malformation (CM-AVM) syndrome (PMID: 28687708); Not observed at significant frequency in large population cohorts (gnomAD); In silico analysis supports that this missense variant has a deleterious effect on protein structure/function; This variant is associated with the following publications: (PMID: 28687708)

Ambry Genetics
Classification: Uncertain significance for Cardiovascular phenotype. Last evaluated: 2024-08-30. Review status: criteria provided, single submitter. Criteria: Ambry Variant Classification Scheme 2023. Collection method: clinical testing. Allele origin: germline.
Comment: The p.P820L variant (also known as c.2459C>T), located in coding exon 14 of the EPHB4 gene, results from a C to T substitution at nucleotide position 2459. The proline at codon 820 is replaced by leucine, an amino acid with similar properties. This alteration has been reported in a vascular malformation cohort (Amyere M et al. Circulation, 2017 Sep;136:1037-1048). This amino acid position is highly conserved in available vertebrate species. In addition, this alteration is predicted to be deleterious by in silico analysis. Based on the available evidence, the clinical significance of this variant remains unclear.

PreventionGenetics, part of Exact Sciences
Classification: Likely pathogenic for EPHB4-related condition. Last evaluated: 2023-01-23. Review status: criteria provided, single submitter. Criteria: ACMG Guidelines, 2015. Collection method: clinical testing. Allele origin: germline.
Comment: The EPHB4 c.2459C>T variant is predicted to result in the amino acid substitution p.Pro820Leu. This variant was reported in at least 3 individuals with capillary malformation-arteriovenous malformation (Amyere et al 2017. PubMed ID: 28687708). In addition, a different amino acid substitution at this position (p.Pro820Thr) has also been in at least 2 patients with capillary malformation-arteriovenous malformation (Amyere et al 2017. PubMed ID: 28687708). This variant has not been reported in a large population database, indicating this variant is rare. This variant is interpreted as likely pathogenic.

SIB Swiss Institute of Bioinformatics
Classification: Uncertain significance for Capillary malformation-arteriovenous malformation 2. Last evaluated: 2019-03-29. Review status: criteria provided, single submitter. Criteria: ACMG Guidelines, 2015. Collection method: curation. Allele origin: unknown.
Comment: This variant is interpreted as Uncertain significance for Capillary malformation-arteriovenous malformation 2. The following ACMG Tag(s) were applied: PP3: Multiple lines of computational evidence support a deleterious effect on the gene or gene product. PM2: Absent from controls (or at extremely low frequency if recessive) in Exome Sequencing Project, 1000 Genomes Project, or Exome Aggregation Consortium. PM1: Located in a mutational hot spot and/or critical and well-established functional domain (e.g.,active site of an enzyme) without benign variation.

Literature cited by the submitters: PubMed 28687708 (cited by 3 submitters).

NM_004444.5(EPHB4):c.2459C>T (p.Pro820Leu)

Genes: EPHB4 (EPH receptor B4; minus strand), LOC126860124 (CDK7 strongly-dependent group 2 enhancer GRCh37_chr7:100403701-100404900; plus strand). Cytogenetic location: 7q22.1.
Variant type: single nucleotide variant.
Coding change: c.2459C>T on transcript NM_004444.5 (MANE Select); coding-DNA position 2459, C replaced by T.
Protein change: p.Pro820Leu; replaces proline 820 with leucine.
Molecular consequence: missense variant.
Genome position (GRCh38, 1-based): chr7:100,806,445, G>A on the plus strand (C>T on the coding strand, the complement: EPHB4 is on the minus strand). VCF-style: chr7-100806445-G-A. GRCh37 (hg19) VCF-style: chr7-100404067-G-A.
Other names: c.2459C>T (NM_004444.4); short protein forms P820L.
Identifiers: ClinVar variation 691546 (VCV000691546.7), dbSNP rs1584653650, ClinGen allele CA368567458.